The following is an entry in ClinVar:

NM_001110556.2(FLNA):c.7184G>A (p.Arg2395Gln)

Gene: FLNA (filamin A; minus strand). Cytogenetic location: Xq28.
Variant type: single nucleotide variant.
Coding change: c.7184G>A on transcript NM_001110556.2 (MANE Select); coding-DNA position 7184, G replaced by A.
Protein change: p.Arg2395Gln; replaces arginine 2395 with glutamine.
Molecular consequence: missense variant.
Genome position (GRCh38, 1-based): chrX:154,350,180, C>T on the plus strand (G>A on the coding strand, the complement: FLNA is on the minus strand). VCF-style: chrX-154350180-C-T. GRCh37 (hg19) VCF-style: chrX-153578548-C-T.
Other names: c.7160G>A, p.Arg2387Gln (NM_001456.4); short protein forms R2395Q, R2387Q.
Identifiers: ClinVar variation 1904422 (VCV001904422.6), dbSNP rs781831266, ClinGen allele CA415184352.

ClinVar aggregate classification (germline): Uncertain significance (1 of 4 stars; one submission).

Conditions:
Heterotopia, periventricular, X-linked dominant (PVNH1). Also called: PERIVENTRICULAR NODULAR HETEROTOPIA 4; HETEROTOPIA, PERIVENTRICULAR, 1; PERIVENTRICULAR NODULAR HETEROTOPIA 1; X-linked periventricular heterotopia. Identifiers: Orphanet 2149, Orphanet 82004, MedGen C1848213, MONDO:0010233, OMIM 300049.
Melnick-Needles syndrome (MNS). Also called: Melnick-Needles Syndrome (FLNA-MNS); MELNICK-NEEDLES OSTEODYSPLASTY; OSTEODYSPLASTY OF MELNICK AND NEEDLES. Identifiers: Orphanet 2484, MedGen C0025237, MONDO:0010650, OMIM 309350.
Frontometaphyseal dysplasia (FMD1). Identifiers: Orphanet 1826, MedGen C0265293, MONDO:0015942.
Oto-palato-digital syndrome, type II (OPD2). Also called: Otopalatodigital Syndrome Type 2 (FLNA-OPD2); FACIOPALATOOSSEOUS SYNDROME; OPD II SYNDROME; Otopalatodigital Syndrome, Type II. Identifiers: Orphanet 669, Orphanet 90652, MedGen C1844696, MONDO:0010571, OMIM 304120.

Submissions (2):

Labcorp Genetics (formerly Invitae), Labcorp
Classification: Uncertain significance for Oto-palato-digital syndrome, type II; Heterotopia, periventricular, X-linked dominant; Frontometaphyseal dysplasia; Melnick-Needles syndrome. Last evaluated: 2023-12-31. Review status: criteria provided, single submitter. Criteria: Invitae Variant Classification Sherloc (09022015). Collection method: clinical testing. Allele origin: germline.
Comment: This sequence change replaces arginine, which is basic and polar, with glutamine, which is neutral and polar, at codon 2387 of the FLNA protein (p.Arg2387Gln). This variant is not present in population databases (gnomAD no frequency). This variant has not been reported in the literature in individuals affected with FLNA-related conditions. ClinVar contains an entry for this variant (Variation ID: 1904422). Advanced modeling of protein sequence and biophysical properties (such as structural, functional, and spatial information, amino acid conservation, physicochemical variation, residue mobility, and thermodynamic stability) performed at Invitae indicates that this missense variant is not expected to disrupt FLNA protein function with a negative predictive value of 95%. Algorithms developed to predict the effect of sequence changes on RNA splicing suggest that this variant may disrupt the consensus splice site. In summary, the available evidence is currently insufficient to determine the role of this variant in disease. Therefore, it has been classified as a Variant of Uncertain Significance.

Dr. Peter K. Rogan Lab, Western University
No classification provided (evidence only). Condition: Squamous cell lung carcinoma. Review status: no classification provided. Collection method: in vitro. Allele origin: not applicable. Functional consequence: retained intron. Not counted in ClinVar's aggregate classification.